The following is an entry in ClinVar:

ClinVar aggregate classification (germline): Pathogenic (1 of 4 stars; one submission).

Conditions:
Mosaic variegated aneuploidy syndrome 1 (MVA1). Also called: Warburton-Anyane-Yeboa syndrome. Identifiers: Orphanet 1052, MedGen C1850343, MONDO:0009759, OMIM 257300.

Allele frequency attached by ClinVar (database versions not stated): gnomAD exomes 0.00001.

Submission:

Labcorp Genetics (formerly Invitae), Labcorp
Classification: Pathogenic for Mosaic variegated aneuploidy syndrome 1. Last evaluated: 2022-08-16. Review status: criteria provided, single submitter. Criteria: Invitae Variant Classification Sherloc (09022015). Collection method: clinical testing. Allele origin: germline.
Comment: This sequence change creates a premature translational stop signal (p.Thr718Ilefs*14) in the BUB1B gene. It is expected to result in an absent or disrupted protein product. Loss-of-function variants in BUB1B are known to be pathogenic (PMID: 15475955, 21190457). This variant is present in population databases (no rsID available, gnomAD 0.0009%). This variant has not been reported in the literature in individuals affected with BUB1B-related conditions. For these reasons, this variant has been classified as Pathogenic.

Literature cited by the submitters: PubMed 15475955; PubMed 21190457.

NM_001211.6(BUB1B):c.2153del (p.Thr718fs)

Gene: BUB1B (BUB1 mitotic checkpoint serine/threonine kinase B; plus strand). Cytogenetic location: 15q15.1.
Variant type: Deletion.
Coding change: c.2153del on transcript NM_001211.6 (MANE Select); coding-DNA position 2153, one base deleted (C; older notation c.2153delC).
Protein change: p.Thr718fs; shifts the reading frame from threonine 718.
Molecular consequence: frameshift variant.
Genome position (GRCh38, 1-based): chr15:40,209,644, C deleted. VCF-style (leftmost placement, unchanged base first): chr15-40209643-AC-A. GRCh37 (hg19) VCF-style: chr15-40501844-AC-A.
Other names: short protein forms T718fs.
Identifiers: ClinVar variation 2202424 (VCV002202424.4), dbSNP rs1294054951, ClinGen allele CA617229719.